The following is an entry in ClinVar:

ClinVar aggregate classification (germline): Pathogenic (1 of 4 stars; one submission).

Conditions:
Hereditary cancer-predisposing syndrome. Also called: Hereditary Cancer Syndrome; Hereditary neoplastic syndrome; Neoplastic Syndromes, Hereditary; Tumor predisposition. Identifiers: Orphanet 140162, MedGen C0027672, MeSH D009386, MONDO:0015356.

Submission:

Ambry Genetics
Classification: Pathogenic for Hereditary cancer-predisposing syndrome. Last evaluated: 2025-09-03. Review status: criteria provided, single submitter. Criteria: Ambry Variant Classification Scheme 2023. Collection method: clinical testing. Allele origin: germline.
Comment: The c.38_68del31 pathogenic mutation, located in coding exon 1 of the CDKN2A gene, results from a deletion of 31 nucleotides at nucleotide positions 38 to 68, causing a translational frameshift with a predicted alternate stop codon (p.A13Vfs*3). This variant is considered to be rare based on population cohorts in the Genome Aggregation Database (gnomAD). This alteration is expected to result in loss of function by premature protein truncation or nonsense-mediated mRNA decay. As such, this alteration is interpreted as a disease-causing mutation.

NM_000077.5(CDKN2A):c.38_68del (p.Ala13fs)

Gene: CDKN2A (cyclin dependent kinase inhibitor 2A; minus strand). Cytogenetic location: 9p21.3.
Variant type: Deletion.
Coding change: c.38_68del on transcript NM_000077.5; coding-DNA positions 38 to 68, 31 bases deleted.
Protein change: p.Ala13fs; shifts the reading frame from alanine 13.
Molecular consequence: frameshift variant (on NM_000077.4). On other transcripts: intron variant (2).
Genome position (GRCh38, 1-based): chr9:21,974,760-21,974,790, 31 bases deleted; deleting any 31 consecutive bases within chr9:21,974,760-21,974,792 gives the same sequence; the c. name uses the placement nearest the transcript's 3' end. GRCh37 (hg19): chr9:21,974,761-21,974,791.
Other names: c.38_68del31 (NM_000077.4); c.36_66del31, p.Ala13Valfs (NM_000077.6); c.38_68del, p.Ala13fs (NM_001195132.2, NM_058197.5); c.-3-3582_-3-3552del (NM_001363763.2); c.194-3582_194-3552del (NM_058195.4); short protein forms A13fs.
Identifiers: ClinVar variation 1735064 (VCV001735064.3), dbSNP rs2489291666, ClinGen allele CA2580080349.
Genomic context (GRCh38, chr9:21,974,759, plus strand): 5'-ACTATTCGGTGCGTTGGGCAGCGCCCCCGCCTCCAGCAGCGCCCGCACCTCCTCTACCCG[ACCCCGGGCCGCGGCCGTGGCCAGCCAGTCAG>A]CCGAAGGCTCCATGCTGCTCCCCGCCGCCGGCTCCATGCTGCTCCCCGCCGCCCGCTGCC-3'